The following is an entry in ClinVar:

ClinVar aggregate classification (germline): Uncertain significance. Review status: criteria provided, multiple submitters, no conflicts (2 of 4 stars). 2 submissions from 2 submitters: Uncertain significance (2). Last evaluated 2025-11-30.

Allele frequency attached by ClinVar (database versions not stated): gnomAD 0.00001; gnomAD exomes 0.00001 and 0.00002; ExAC 0.00002; TOPMed 0.00002; ESP Exome Variant Server 0.00008.
gnomAD v4.1: 9 of 1,611,966 alleles (0.00056%); highest among the groups gnomAD compares: Non-Finnish European, 0.00076%; no homozygotes.

Submissions (2):

Labcorp Genetics (formerly Invitae), Labcorp
Classification: Uncertain significance. Last evaluated: 2025-11-30. Review status: criteria provided, single submitter. Criteria: Invitae Variant Classification Sherloc (09022015). Collection method: clinical testing. Allele origin: germline.
Comment: This sequence change replaces aspartic acid, which is acidic and polar, with asparagine, which is neutral and polar, at codon 1236 of the COL11A1 protein (p.Asp1236Asn). This variant is present in population databases (rs140292959, gnomAD 0.003%). This variant has not been reported in the literature in individuals affected with COL11A1-related conditions. ClinVar contains an entry for this variant (Variation ID: 1370307). Experimental studies and prediction algorithms are not available or were not evaluated, and the functional significance of this variant is currently unknown. In summary, the available evidence is currently insufficient to determine the role of this variant in disease. Therefore, it has been classified as a Variant of Uncertain Significance.

GeneDx
Classification: Uncertain significance. Last evaluated: 2023-06-08. Review status: criteria provided, single submitter. Criteria: GeneDx Variant Classification Process June 2021. Collection method: clinical testing. Allele origin: germline. Affected: yes.
Comment: Has not been previously published as pathogenic or benign to our knowledge; In silico analysis supports that this missense variant has a deleterious effect on protein structure/function

NM_001854.4(COL11A1):c.3706G>A (p.Asp1236Asn)

Gene: COL11A1 (collagen type XI alpha 1 chain; minus strand). Cytogenetic location: 1p21.1.
Variant type: single nucleotide variant.
Coding change: c.3706G>A on transcript NM_001854.4 (MANE Select); coding-DNA position 3706, G replaced by A.
Protein change: p.Asp1236Asn; replaces aspartic acid 1236 with asparagine.
Molecular consequence: missense variant. On other transcripts: non-coding transcript variant (1).
Genome position (GRCh38, 1-based): chr1:102,921,520, C>T on the plus strand (G>A on the coding strand, the complement: COL11A1 is on the minus strand). VCF-style: chr1-102921520-C-T. GRCh37 (hg19) VCF-style: chr1-103387076-C-T.
Other names: c.3589G>A, p.Asp1197Asn (NM_001190709.2); c.3742G>A, p.Asp1248Asn (NM_080629.3); c.3358G>A, p.Asp1120Asn (NM_080630.4); c.3706G>A (NM_001854.3); short protein forms D1236N, D1197N, D1120N, D1248N.
Identifiers: ClinVar variation 1370307 (VCV001370307.8), dbSNP rs140292959, ClinGen allele CA973892.